The following is an entry in ClinVar:

NM_001605.3(AARS1):c.1640A>G (p.Tyr547Cys)

Gene: AARS1 (alanyl-tRNA synthetase 1; minus strand). Cytogenetic location: 16q22.1.
Variant type: single nucleotide variant.
Coding change: c.1640A>G on transcript NM_001605.3 (MANE Select); coding-DNA position 1640, A replaced by G.
Protein change: p.Tyr547Cys; replaces tyrosine 547 with cysteine.
Molecular consequence: missense variant.
Genome position (GRCh38, 1-based): chr16:70,262,377, T>C on the plus strand (A>G on the coding strand, the complement: AARS1 is on the minus strand). VCF-style: chr16-70262377-T-C. GRCh37 (hg19) VCF-style: chr16-70296280-T-C.
Other names: c.1640A>G (NM_001605.2); short protein forms Y547C.
Identifiers: ClinVar variation 1035227 (VCV001035227.10), dbSNP rs1328218106, ClinGen allele CA396559946.

ClinVar aggregate classification (germline): Uncertain significance. Review status: criteria provided, multiple submitters, no conflicts (2 of 4 stars). 3 submissions from 3 submitters: Uncertain significance (3). Last evaluated 2025-12-08.

Conditions:
Charcot-Marie-Tooth disease type 2. Also called: Charcot-Marie-Tooth type 2. Identifiers: Orphanet 64746, MedGen C0270914, MONDO:0018993.
Inborn genetic diseases. Identifiers: MedGen C0950123, MeSH D030342.

Allele frequency attached by ClinVar (database versions not stated): gnomAD exomes below 0.00001 and 0.00001; TOPMed 0.00001.
gnomAD v4.1: 10 of 1,614,216 alleles (0.00062%); highest among the groups gnomAD compares: Non-Finnish European, 0.00076%; no homozygotes.

Submissions (3):

Ambry Genetics
Classification: Uncertain significance for Inborn genetic diseases. Last evaluated: 2025-12-08. Review status: criteria provided, single submitter. Criteria: Ambry Variant Classification Scheme 2023. Collection method: clinical testing. Allele origin: germline.

Labcorp Genetics (formerly Invitae), Labcorp
Classification: Uncertain significance for Charcot-Marie-Tooth disease type 2. Last evaluated: 2022-11-03. Review status: criteria provided, single submitter. Criteria: Invitae Variant Classification Sherloc (09022015). Collection method: clinical testing. Allele origin: germline.
Comment: In summary, the available evidence is currently insufficient to determine the role of this variant in disease. Therefore, it has been classified as a Variant of Uncertain Significance. Advanced modeling of protein sequence and biophysical properties (such as structural, functional, and spatial information, amino acid conservation, physicochemical variation, residue mobility, and thermodynamic stability) performed at Invitae indicates that this missense variant is not expected to disrupt AARS protein function. ClinVar contains an entry for this variant (Variation ID: 1035227). This variant has not been reported in the literature in individuals affected with AARS-related conditions. This variant is present in population databases (no rsID available, gnomAD 0.0009%). This sequence change replaces tyrosine, which is neutral and polar, with cysteine, which is neutral and slightly polar, at codon 547 of the AARS protein (p.Tyr547Cys).

Blueprint Genetics
Classification: Uncertain significance. Last evaluated: 2022-02-25. Review status: criteria provided, single submitter. Criteria: ACMG Guidelines, 2015. Collection method: clinical testing. Allele origin: germline.